The following is an entry in ClinVar:

ClinVar aggregate classification (germline): Uncertain significance. Review status: criteria provided, multiple submitters, no conflicts (2 of 4 stars). 2 submissions from 2 submitters: Uncertain significance (2). Last evaluated 2025-05-01.

Submissions (2):

Labcorp Genetics (formerly Invitae), Labcorp
Classification: Uncertain significance. Last evaluated: 2025-05-01. Review status: criteria provided, single submitter. Criteria: Invitae Variant Classification Sherloc (09022015). Collection method: clinical testing. Allele origin: germline.
Comment: This sequence change replaces alanine, which is neutral and non-polar, with glycine, which is neutral and non-polar, at codon 120 of the EFTUD2 protein (p.Ala120Gly). This variant is not present in population databases (gnomAD no frequency). This variant has not been reported in the literature in individuals affected with EFTUD2-related conditions. ClinVar contains an entry for this variant (Variation ID: 1961551). Invitae Evidence Modeling of protein sequence and biophysical properties (such as structural, functional, and spatial information, amino acid conservation, physicochemical variation, residue mobility, and thermodynamic stability) indicates that this missense variant is not expected to disrupt EFTUD2 protein function with a negative predictive value of 80%. In summary, the available evidence is currently insufficient to determine the role of this variant in disease. Therefore, it has been classified as a Variant of Uncertain Significance.

Women's Health and Genetics/Laboratory Corporation of America, LabCorp
Classification: Uncertain significance. Last evaluated: 2024-03-11. Review status: criteria provided, single submitter. Criteria: LabCorp Variant Classification Summary - May 2015. Collection method: clinical testing. Allele origin: germline.
Comment: Variant summary: EFTUD2 c.359C>G (p.Ala120Gly) results in a non-conservative amino acid change in the encoded protein sequence. Three of five in-silico tools predict a benign effect of the variant on protein function. The variant was absent in 251434 control chromosomes. The available data on variant occurrences in the general population are insufficient to allow any conclusion about variant significance. To our knowledge, no occurrence of c.359C>G in individuals affected with Mandibulofacial Dysostosis-Microcephaly Syndrome and no experimental evidence demonstrating its impact on protein function have been reported. ClinVar contains an entry for this variant (Variation ID: 1961551). Based on the evidence outlined above, the variant was classified as uncertain significance.

NM_004247.4(EFTUD2):c.359C>G (p.Ala120Gly)

Gene: EFTUD2 (elongation factor Tu GTP binding domain containing 2; minus strand). Cytogenetic location: 17q21.31.
Variant type: single nucleotide variant.
Coding change: c.359C>G on transcript NM_004247.4 (MANE Select); coding-DNA position 359, C replaced by G.
Protein change: p.Ala120Gly; replaces alanine 120 with glycine.
Molecular consequence: missense variant.
Genome position (GRCh38, 1-based): chr17:44,883,716, G>C on the plus strand (C>G on the coding strand, the complement: EFTUD2 is on the minus strand). VCF-style: chr17-44883716-G-C. GRCh37 (hg19) VCF-style: chr17-42961084-G-C.
Other names: c.254C>G, p.Ala85Gly (NM_001142605.2); c.359C>G, p.Ala120Gly (NM_001258353.2, NM_001258354.2); short protein forms A120G, A85G.
Identifiers: ClinVar variation 1961551 (VCV001961551.7), dbSNP rs201219248, ClinGen allele CA399825339.